The following is an entry in ClinVar:

ClinVar aggregate classification (germline): Uncertain significance. Review status: criteria provided, multiple submitters, no conflicts (2 of 4 stars). 2 submissions from 2 submitters: Uncertain significance (2). Last evaluated 2025-09-01.

Conditions:
Primary dilated cardiomyopathy (DCM). Also called: Dilated Cardiomyopathy. Identifiers: Orphanet 217604, MedGen C0007193, MeSH D002311, MONDO:0005021, HP:0001644. Inheritance: Various modes of inheritance.
Hypertrophic cardiomyopathy. Also called: HYPERTROPHIC MYOCARDIOPATHY. Identifiers: Orphanet 217569, MedGen C0007194, MeSH D002312, MONDO:0005045, HP:0001639.

Submissions (2):

Labcorp Genetics (formerly Invitae), Labcorp
Classification: Uncertain significance for Hypertrophic cardiomyopathy; Primary dilated cardiomyopathy. Last evaluated: 2025-09-01. Review status: criteria provided, single submitter. Criteria: Invitae Variant Classification Sherloc (09022015). Collection method: clinical testing. Allele origin: germline.
Comment: This sequence change replaces serine, which is neutral and polar, with proline, which is neutral and non-polar, at codon 226 of the PDLIM3 protein (p.Ser226Pro). This variant is not present in population databases (gnomAD no frequency). This variant has not been reported in the literature in individuals affected with PDLIM3-related conditions. ClinVar contains an entry for this variant (Variation ID: 3305568). Invitae Evidence Modeling of protein sequence and biophysical properties (such as structural, functional, and spatial information, amino acid conservation, physicochemical variation, residue mobility, and thermodynamic stability) indicates that this missense variant is not expected to disrupt PDLIM3 protein function with a negative predictive value of 80%. In summary, the available evidence is currently insufficient to determine the role of this variant in disease. Therefore, it has been classified as a Variant of Uncertain Significance.

Ambry Genetics
Classification: Uncertain significance. Last evaluated: 2024-06-06. Review status: criteria provided, single submitter. Criteria: Ambry Variant Classification Scheme 2023. Collection method: clinical testing. Allele origin: germline.
Comment: The p.S226P variant (also known as c.676T>C), located in coding exon 6 of the PDLIM3 gene, results from a T to C substitution at nucleotide position 676. The serine at codon 226 is replaced by proline, an amino acid with similar properties. This amino acid position is conserved. In addition, this alteration is predicted to be tolerated by in silico analysis. Based on the available evidence, the clinical significance of this variant remains unclear.

NM_014476.6(PDLIM3):c.676T>C (p.Ser226Pro)

Gene: PDLIM3 (PDZ and LIM domain 3; minus strand). Cytogenetic location: 4q35.1.
Variant type: single nucleotide variant.
Coding change: c.676T>C on transcript NM_014476.6 (MANE Select); coding-DNA position 676, T replaced by C.
Protein change: p.Ser226Pro; replaces serine 226 with proline.
Molecular consequence: missense variant. On other transcripts: non-coding transcript variant (1).
Genome position (GRCh38, 1-based): chr4:185,506,639, A>G on the plus strand (T>C on the coding strand, the complement: PDLIM3 is on the minus strand). VCF-style: chr4-185506639-A-G. GRCh37 (hg19) VCF-style: chr4-186427793-A-G.
Other names: c.532T>C, p.Ser178Pro (NM_001114107.5); c.412T>C, p.Ser138Pro (NM_001257962.2); c.175T>C, p.Ser59Pro (NM_001257963.2); short protein forms S226P, S59P, S138P, S178P.
Identifiers: ClinVar variation 3305568 (VCV003305568.2).